The following is an entry in ClinVar:

ClinVar aggregate classification (germline): Uncertain significance (1 of 4 stars; one submission).

Conditions:
Developmental and epileptic encephalopathy, 1 (DEE1). Also called: X-linked infantile spasms; West's syndrome; Tonic spasms with clustering, arrest of psychomotor development and hypsarrhythmia on EEG; X-Linked Infantile Spasm Syndrome; Epileptic encephalopathy, early infantile, 1; OHTAHARA SYNDROME, X-LINKED. Identifiers: MedGen C3463992, MONDO:0010632, OMIM 308350. Disease mechanism: loss of function.
Intellectual disability, X-linked, with or without seizures, ARX-related. Also called: INTELLECTUAL DEVELOPMENTAL DISORDER, X-LINKED 29; Mental retardation, X-linked 52; MENTAL RETARDATION, X-LINKED 29; MENTAL RETARDATION, X-LINKED 32; MENTAL RETARDATION, X-LINKED 33; MENTAL RETARDATION, X-LINKED 38. Identifiers: Orphanet 777, MedGen C0796244, MONDO:0010317, OMIM 300419.

Submission:

Labcorp Genetics (formerly Invitae), Labcorp
Classification: Uncertain significance for Developmental and epileptic encephalopathy, 1; Intellectual disability, X-linked, with or without seizures, ARX-related. Last evaluated: 2022-03-26. Review status: criteria provided, single submitter. Criteria: Invitae Variant Classification Sherloc (09022015). Collection method: clinical testing. Allele origin: germline.
Comment: In summary, the available evidence is currently insufficient to determine the role of this variant in disease. Therefore, it has been classified as a Variant of Uncertain Significance. Advanced modeling of protein sequence and biophysical properties (such as structural, functional, and spatial information, amino acid conservation, physicochemical variation, residue mobility, and thermodynamic stability) performed at Invitae indicates that this missense variant is expected to disrupt ARX protein function. ClinVar contains an entry for this variant (Variation ID: 410778). This variant has not been reported in the literature in individuals affected with ARX-related conditions. This variant is not present in population databases (gnomAD no frequency). This sequence change replaces phenylalanine, which is neutral and non-polar, with leucine, which is neutral and non-polar, at codon 347 of the ARX protein (p.Phe347Leu).

NM_139058.3(ARX):c.1041C>G (p.Phe347Leu)

Gene: ARX (aristaless related homeobox; minus strand). Cytogenetic location: Xp21.3.
Variant type: single nucleotide variant.
Coding change: c.1041C>G on transcript NM_139058.3 (MANE Select); coding-DNA position 1041, C replaced by G.
Protein change: p.Phe347Leu; replaces phenylalanine 347 with leucine.
Molecular consequence: missense variant.
Genome position (GRCh38, 1-based): chrX:25,012,954, G>C on the plus strand (C>G on the coding strand, the complement: ARX is on the minus strand). VCF-style: chrX-25012954-G-C. GRCh37 (hg19) VCF-style: chrX-25031071-G-C.
Other names: short protein forms F347L.
Identifiers: ClinVar variation 410778 (VCV000410778.11), dbSNP rs1060503040, ClinGen allele CA16616659.
Genomic context (GRCh38, chrX:25,012,954, plus strand): 5'-TGCGACCGCGACCACCCTACGCGCATACCTGGTGAAGACGTCCGGGTAGTGCGTCTTCTG[G>C]AAGGCCCGCTCCAGTTCCTCCAGCTGGTAGCTGGTGAACGTGGTGCGGTAGCGCCTCTGT-3'
Protein context (NP_620689.1, residues 337-357): SYQLEELERA[Phe347Leu]QKTHYPDVFT